The following is an entry in ClinVar:

ClinVar aggregate classification (germline): Pathogenic. Review status: criteria provided, single submitter (1 of 4 stars). 2 submissions from 2 submitters: Pathogenic (1). 1 of the submissions does not count toward it. Last evaluated 2025-04-28.

Conditions:
Neurodevelopmental disorder. Identifiers: MedGen C1535926, MeSH D065886, MONDO:0700092.

Submissions (2):

Labcorp Genetics (formerly Invitae), Labcorp
Classification: Pathogenic. Last evaluated: 2025-04-28. Review status: criteria provided, single submitter. Criteria: Invitae Variant Classification Sherloc (09022015). Collection method: clinical testing. Allele origin: germline.
Comment: This sequence change creates a premature translational stop signal (p.Arg2115*) in the ZNF292 gene. While this is not anticipated to result in nonsense mediated decay, it is expected to disrupt the last 609 amino acid(s) of the ZNF292 protein. This variant is not present in population databases (gnomAD no frequency). This premature translational stop signal has been observed in individual(s) with ZNF292-related conditions (PMID: 31723249). In at least one individual the variant was observed to be de novo. ClinVar contains an entry for this variant (Variation ID: 982199). For these reasons, this variant has been classified as Pathogenic.

University of Washington Center for Mendelian Genomics, University of Washington
Classification: Likely pathogenic for Neurodevelopmental disorder. Review status: no assertion criteria provided. Collection method: research. Allele origin: de novo. Affected: yes. Not counted in ClinVar's aggregate classification.

Literature cited by the submitters: PubMed 31723249 (cited by Labcorp Genetics (formerly Invitae), Labcorp and University of Washington Center for Mendelian Genomics, University of Washington).

NM_015021.3(ZNF292):c.6343C>T (p.Arg2115Ter)

Gene: ZNF292 (zinc finger protein 292; plus strand). Cytogenetic location: 6q14.3.
Variant type: single nucleotide variant.
Coding change: c.6343C>T on transcript NM_015021.3 (MANE Select); coding-DNA position 6343, C replaced by T.
Protein change: p.Arg2115Ter; replaces arginine 2115 with a stop codon.
Molecular consequence: nonsense.
Genome position (GRCh38, 1-based): chr6:87,259,972, C>T. VCF-style: chr6-87259972-C-T. GRCh37 (hg19) VCF-style: chr6-87969690-C-T.
Other names: c.5923C>T, p.Arg1975Ter (NM_001351444.2); short protein forms R1975*, R2115*.
Identifiers: ClinVar variation 982199 (VCV000982199.2), dbSNP rs866467799, ClinGen allele CA142838312.